The following is an entry in ClinVar:

ClinVar aggregate classification (germline): Uncertain significance (1 of 4 stars; one submission).

gnomAD v4.1: 3 of 1,611,170 alleles (0.00019%); highest among the groups gnomAD compares: South Asian, 0.0011%; no homozygotes.

Submission:

Labcorp Genetics (formerly Invitae), Labcorp
Classification: Uncertain significance. Last evaluated: 2024-02-16. Review status: criteria provided, single submitter. Criteria: Invitae Variant Classification Sherloc (09022015). Collection method: clinical testing. Allele origin: germline.
Comment: This sequence change replaces aspartic acid, which is acidic and polar, with glycine, which is neutral and non-polar, at codon 269 of the C1S protein (p.Asp269Gly). This variant is present in population databases (no rsID available, gnomAD 0.0009%). This variant has not been reported in the literature in individuals affected with C1S-related conditions. Advanced modeling of protein sequence and biophysical properties (such as structural, functional, and spatial information, amino acid conservation, physicochemical variation, residue mobility, and thermodynamic stability) performed at Invitae indicates that this missense variant is not expected to disrupt C1S protein function with a negative predictive value of 80%. In summary, the available evidence is currently insufficient to determine the role of this variant in disease. Therefore, it has been classified as a Variant of Uncertain Significance.

NM_001734.5(C1S):c.806A>G (p.Asp269Gly)

Gene: C1S (complement C1s; plus strand). Cytogenetic location: 12p13.31.
Variant type: single nucleotide variant.
Coding change: c.806A>G on transcript NM_001734.5 (MANE Select); coding-DNA position 806, A replaced by G.
Protein change: p.Asp269Gly; replaces aspartic acid 269 with glycine.
Molecular consequence: missense variant.
Genome position (GRCh38, 1-based): chr12:7,065,905, A>G. VCF-style: chr12-7065905-A-G. GRCh37 (hg19) VCF-style: chr12-7173209-A-G.
Other names: c.806A>G, p.Asp269Gly (NM_201442.4); c.305A>G, p.Asp102Gly (NM_001346850.2); short protein forms D102G, D269G.
Identifiers: ClinVar variation 3613300 (VCV003613300.2).